The following is an entry in ClinVar:

NM_001040142.2(SCN2A):c.3484G>A (p.Glu1162Lys)

Gene: SCN2A (sodium voltage-gated channel alpha subunit 2; plus strand). Cytogenetic location: 2q24.3.
Variant type: single nucleotide variant.
Coding change: c.3484G>A on transcript NM_001040142.2 (MANE Select); coding-DNA position 3484, G replaced by A.
Protein change: p.Glu1162Lys; replaces glutamic acid 1162 with lysine.
Molecular consequence: missense variant.
Genome position (GRCh38, 1-based): chr2:165,365,227, G>A. VCF-style: chr2-165365227-G-A. GRCh37 (hg19) VCF-style: chr2-166221737-G-A.
Other names: c.3484G>A, p.Glu1162Lys (NM_001040143.2, NM_001371246.1, NM_001371247.1 and 1 more transcripts); short protein forms E1162K.
Identifiers: ClinVar variation 3776426 (VCV003776426.1).

ClinVar aggregate classification (germline): Uncertain significance (1 of 4 stars; one submission).

Submission:

GeneDx
Classification: Uncertain significance. Last evaluated: 2024-09-23. Review status: criteria provided, single submitter. Criteria: GeneDx Variant Classification Process June 2021. Collection method: clinical testing. Allele origin: germline. Affected: yes.
Comment: Not observed at significant frequency in large population cohorts (gnomAD); In silico analysis supports that this missense variant has a deleterious effect on protein structure/function; Has not been previously published as pathogenic or benign to our knowledge; This substitution is predicted to be in the cytoplasmic loop between the second and third homologous domains